The following is an entry in ClinVar:

ClinVar aggregate classification (germline): Uncertain significance. Review status: criteria provided, multiple submitters, no conflicts (2 of 4 stars). 2 submissions from 2 submitters: Uncertain significance (2). Last evaluated 2025-06-01.

Conditions:
Nance-Horan syndrome (NHS). Identifiers: Orphanet 627, MedGen C0796085, MONDO:0010545, OMIM 302350.

Allele frequency attached by ClinVar (database versions not stated): gnomAD exomes below 0.00001 and 0.00001; ExAC 0.00001; TOPMed 0.00001.

Submissions (2):

CeGaT Center for Human Genetics Tuebingen
Classification: Uncertain significance. Last evaluated: 2025-06-01. Review status: criteria provided, single submitter. Criteria: CeGaT Center For Human Genetics Tuebingen Variant Classification Criteria Version 2. Collection method: clinical testing. Allele origin: germline. Affected: yes. Observed: 1 variant allele.
Comment: NHS: PM2

New York Genome Center
Classification: Uncertain significance for Nance-Horan syndrome. Last evaluated: 2021-04-12. Review status: criteria provided, single submitter. Criteria: NYGC Assertion Criteria 2020. Collection method: clinical testing. Allele origin: inherited. Observed: 1 hemizygote. Study: CSER-NYCKidSeq.

NM_001291867.2(NHS):c.3131C>T (p.Pro1044Leu)

Gene: NHS (NHS actin remodeling regulator; plus strand). Cytogenetic location: Xp22.13.
Variant type: single nucleotide variant.
Coding change: c.3131C>T on transcript NM_001291867.2 (MANE Select); coding-DNA position 3131, C replaced by T.
Protein change: p.Pro1044Leu; replaces proline 1044 with leucine.
Molecular consequence: missense variant.
Genome position (GRCh38, 1-based): chrX:17,727,237, C>T. VCF-style: chrX-17727237-C-T. GRCh37 (hg19) VCF-style: chrX-17745357-C-T.
Other names: c.2600C>T, p.Pro867Leu (NM_001136024.4); c.2537C>T, p.Pro846Leu (NM_001291868.2); c.3068C>T, p.Pro1023Leu (NM_198270.4); short protein forms P1023L, P1044L, P846L, P867L.
Identifiers: ClinVar variation 1342559 (VCV001342559.11), dbSNP rs748149517, ClinGen allele CA10358796.